The following is an entry in ClinVar:

ClinVar aggregate classification (germline): Pathogenic (1 of 4 stars; one submission).

Conditions:
PKD1-related disorder. Also called: PKD1-related condition.

Submission:

PreventionGenetics, part of Exact Sciences
Classification: Pathogenic for PKD1-related condition. Last evaluated: 2023-07-01. Review status: criteria provided, single submitter. Criteria: ACMG Guidelines, 2015. Collection method: clinical testing. Allele origin: germline.
Comment: The PKD1 c.11805dupC variant is predicted to result in a frameshift and premature protein termination (p.Trp3936Leufs*25). To our knowledge, this variant has not been reported in the literature or in a large population database, indicating this variant is rare. Frameshift variants in PKD1 are expected to be pathogenic. This variant is interpreted as pathogenic.

NM_001009944.3(PKD1):c.11805dup (p.Trp3936fs)

Gene: PKD1 (polycystin 1, transient receptor potential channel interacting; minus strand). Cytogenetic location: 16p13.3.
Variant type: Duplication.
Coding change: c.11805dup on transcript NM_001009944.3 (MANE Select); coding-DNA position 11805, one base duplicated (C; older notation c.11805dupC).
Protein change: p.Trp3936fs; shifts the reading frame from tryptophan 3936.
Molecular consequence: frameshift variant.
Genome position (GRCh38, 1-based): chr16:2,091,082, G duplicated on the plus strand (C on the coding strand, the reverse complement: PKD1 is on the minus strand); the first of 2 consecutive G bases (chr16:2,091,082-2,091,083); duplicating either gives the same sequence. VCF-style (leftmost placement, unchanged base first): chr16-2091081-A-AG. GRCh37 (hg19) VCF-style: chr16-2141082-A-AG.
Other names: c.11802dup, p.Trp3935fs (NM_000296.4); c.11805dupC (NM_001009944.2); short protein forms W3935fs, W3936fs.
Identifiers: ClinVar variation 2631621 (VCV002631621.1), dbSNP rs2544599360, ClinGen allele CA2695197397.